The following is an entry in ClinVar:

ClinVar aggregate classification (germline): Uncertain significance (1 of 4 stars; one submission).

Conditions:
RASopathy. Also called: rasopathies; Noonan spectrum disorder. Identifiers: Orphanet 536391, MedGen C5555857, MONDO:0021060.

gnomAD v4.1: 1 of 1,612,628 alleles (0.000062%); highest among the groups gnomAD compares: Non-Finnish European, 0.000085%; no homozygotes.

Submission:

Labcorp Genetics (formerly Invitae), Labcorp
Classification: Uncertain significance for RASopathy. Last evaluated: 2025-12-01. Review status: criteria provided, single submitter. Criteria: Invitae Variant Classification Sherloc (09022015). Collection method: clinical testing. Allele origin: germline.
Comment: This sequence change replaces methionine, which is neutral and non-polar, with isoleucine, which is neutral and non-polar, at codon 701 of the CBL protein (p.Met701Ile). This variant is not present in population databases (gnomAD no frequency). This variant has not been reported in the literature in individuals affected with CBL-related conditions. ClinVar contains an entry for this variant (Variation ID: 3709203). Invitae Evidence Modeling of protein sequence and biophysical properties (such as structural, functional, and spatial information, amino acid conservation, physicochemical variation, residue mobility, and thermodynamic stability) indicates that this missense variant is not expected to disrupt CBL protein function with a negative predictive value of 95%. In summary, the available evidence is currently insufficient to determine the role of this variant in disease. Therefore, it has been classified as a Variant of Uncertain Significance.

NM_005188.4(CBL):c.2103G>T (p.Met701Ile)

Gene: CBL (Cbl proto-oncogene; plus strand). Cytogenetic location: 11q23.3.
Variant type: single nucleotide variant.
Coding change: c.2103G>T on transcript NM_005188.4 (MANE Select); coding-DNA position 2103, G replaced by T.
Protein change: p.Met701Ile; replaces methionine 701 with isoleucine.
Molecular consequence: missense variant.
Genome position (GRCh38, 1-based): chr11:119,296,984, G>T. VCF-style: chr11-119296984-G-T. GRCh37 (hg19) VCF-style: chr11-119167694-G-T.
Other names: short protein forms M701I.
Identifiers: ClinVar variation 3709203 (VCV003709203.2).